The following is an entry in ClinVar:

NM_005337.5(NCKAP1L):c.1288C>T (p.Leu430Phe)

Gene: NCKAP1L (NCK associated protein 1 like; plus strand). Cytogenetic location: 12q13.2.
Variant type: single nucleotide variant.
Coding change: c.1288C>T on transcript NM_005337.5 (MANE Select); coding-DNA position 1288, C replaced by T.
Protein change: p.Leu430Phe; replaces leucine 430 with phenylalanine.
Molecular consequence: missense variant.
Genome position (GRCh38, 1-based): chr12:54,517,888, C>T. VCF-style: chr12-54517888-C-T. GRCh37 (hg19) VCF-style: chr12-54911672-C-T.
Other names: c.1138C>T, p.Leu380Phe (NM_001184976.2); short protein forms L380F, L430F.
Identifiers: ClinVar variation 1926705 (VCV001926705.5), dbSNP rs2498597890, ClinGen allele CA385135733.

ClinVar aggregate classification (germline): Uncertain significance (1 of 4 stars; one submission).

Submission:

Labcorp Genetics (formerly Invitae), Labcorp
Classification: Uncertain significance. Last evaluated: 2025-04-08. Review status: criteria provided, single submitter. Criteria: Invitae Variant Classification Sherloc (09022015). Collection method: clinical testing. Allele origin: germline.
Comment: This sequence change replaces leucine, which is neutral and non-polar, with phenylalanine, which is neutral and non-polar, at codon 430 of the NCKAP1L protein (p.Leu430Phe). This variant is not present in population databases (gnomAD no frequency). This variant has not been reported in the literature in individuals affected with NCKAP1L-related conditions. ClinVar contains an entry for this variant (Variation ID: 1926705). An algorithm developed to predict the effect of missense changes on protein structure and function (PolyPhen-2) suggests that this variant is likely to be tolerated. In summary, the available evidence is currently insufficient to determine the role of this variant in disease. Therefore, it has been classified as a Variant of Uncertain Significance.